The following is an entry in ClinVar:

NM_001270508.2(TNFAIP3):c.812G>A (p.Arg271Gln)

Gene: TNFAIP3 (TNF alpha induced protein 3; plus strand). Cytogenetic location: 6q23.3.
Variant type: single nucleotide variant.
Coding change: c.812G>A on transcript NM_001270508.2 (MANE Select); coding-DNA position 812, G replaced by A.
Protein change: p.Arg271Gln; replaces arginine 271 with glutamine.
Molecular consequence: missense variant.
Genome position (GRCh38, 1-based): chr6:137,877,082, G>A. VCF-style: chr6-137877082-G-A. GRCh37 (hg19) VCF-style: chr6-138198219-G-A.
Other names: c.812G>A, p.Arg271Gln (NM_001270507.2, NM_006290.4); short protein forms R271Q.
Identifiers: ClinVar variation 1970289 (VCV001970289.6), dbSNP rs763827898, ClinGen allele CA4019530.

ClinVar aggregate classification (germline): Uncertain significance. Review status: criteria provided, multiple submitters, no conflicts (2 of 4 stars). 2 submissions from 2 submitters: Uncertain significance (2). Last evaluated 2025-08-04.

Allele frequency attached by ClinVar (database versions not stated): ExAC 0.00001; gnomAD exomes 0.00001; gnomAD 0.00002; TOPMed 0.00002.
gnomAD v4.1: 23 of 1,593,362 alleles (0.0014%); highest among the groups gnomAD compares: Non-Finnish European, 0.0017%; no homozygotes.

Submissions (2):

Labcorp Genetics (formerly Invitae), Labcorp
Classification: Uncertain significance. Last evaluated: 2025-08-04. Review status: criteria provided, single submitter. Criteria: Invitae Variant Classification Sherloc (09022015). Collection method: clinical testing. Allele origin: germline.
Comment: This sequence change replaces arginine, which is basic and polar, with glutamine, which is neutral and polar, at codon 271 of the TNFAIP3 protein (p.Arg271Gln). The frequency data for this variant in the population databases is considered unreliable, as metrics indicate poor data quality at this position in the gnomAD database. This variant has not been reported in the literature in individuals affected with TNFAIP3-related conditions. This missense change has been observed in at least one individual who was not affected with TNFAIP3-related conditions (internal data). ClinVar contains an entry for this variant (Variation ID: 1970289). Invitae Evidence Modeling of protein sequence and biophysical properties (such as structural, functional, and spatial information, amino acid conservation, physicochemical variation, residue mobility, and thermodynamic stability) has been performed for this missense variant. However, the output from this modeling did not meet the statistical confidence thresholds required to predict the impact of this variant on TNFAIP3 protein function. In summary, the available evidence is currently insufficient to determine the role of this variant in disease. Therefore, it has been classified as a Variant of Uncertain Significance.

Blueprint Genetics
Classification: Uncertain significance. Last evaluated: 2024-02-19. Review status: criteria provided, single submitter. Criteria: ACMG Guidelines, 2015. Collection method: clinical testing. Allele origin: germline.